The following is an entry in ClinVar:

ClinVar aggregate classification (germline): Uncertain significance (1 of 4 stars; one submission).

Submission:

Labcorp Genetics (formerly Invitae), Labcorp
Classification: Uncertain significance. Last evaluated: 2025-12-31. Review status: criteria provided, single submitter. Criteria: Invitae Variant Classification Sherloc (09022015). Collection method: clinical testing. Allele origin: germline.
Comment: This sequence change replaces leucine, which is neutral and non-polar, with proline, which is neutral and non-polar, at codon 11 of the EMC1 protein (p.Leu11Pro). This variant is not present in population databases (gnomAD no frequency). This variant has not been reported in the literature in individuals affected with EMC1-related conditions. ClinVar contains an entry for this variant (Variation ID: 2809910). Invitae Evidence Modeling of protein sequence and biophysical properties (such as structural, functional, and spatial information, amino acid conservation, physicochemical variation, residue mobility, and thermodynamic stability) has been performed for this missense variant. However, the output from this modeling did not meet the statistical confidence thresholds required to predict the impact of this variant on EMC1 protein function. In summary, the available evidence is currently insufficient to determine the role of this variant in disease. Therefore, it has been classified as a Variant of Uncertain Significance.

NM_015047.3(EMC1):c.32T>C (p.Leu11Pro)

Gene: EMC1 (ER membrane protein complex subunit 1; minus strand). Cytogenetic location: 1p36.13.
Variant type: single nucleotide variant.
Coding change: c.32T>C on transcript NM_015047.3 (MANE Select); coding-DNA position 32, T replaced by C.
Protein change: p.Leu11Pro; replaces leucine 11 with proline.
Molecular consequence: missense variant.
Genome position (GRCh38, 1-based): chr1:19,251,478, A>G on the plus strand (T>C on the coding strand, the complement: EMC1 is on the minus strand). VCF-style: chr1-19251478-A-G. GRCh37 (hg19) VCF-style: chr1-19577972-A-G.
Other names: c.32T>C, p.Leu11Pro (NM_001271427.2, NM_001271428.2, NM_001271429.2 and 2 more transcripts); short protein forms L11P.
Identifiers: ClinVar variation 2809910 (VCV002809910.3), dbSNP rs2093659181, ClinGen allele CA338775898.